The following is an entry in ClinVar:

NM_000368.5(TSC1):c.759T>A (p.His253Gln)

Gene: TSC1 (TSC complex subunit 1; minus strand). Cytogenetic location: 9q34.13.
Variant type: single nucleotide variant.
Coding change: c.759T>A on transcript NM_000368.5 (MANE Select); coding-DNA position 759, T replaced by A.
Protein change: p.His253Gln; replaces histidine 253 with glutamine.
Molecular consequence: missense variant.
Genome position (GRCh38, 1-based): chr9:132,912,436, A>T on the plus strand (T>A on the coding strand, the complement: TSC1 is on the minus strand). VCF-style: chr9-132912436-A-T. GRCh37 (hg19) VCF-style: chr9-135787823-A-T.
Other names: c.759T>A, p.His253Gln (NM_001162426.2); c.606T>A, p.His202Gln (NM_001162427.2); c.396T>A, p.His132Gln (NM_001362177.2); short protein forms H253Q, H202Q, H132Q.
Identifiers: ClinVar variation 582379 (VCV000582379.11), dbSNP rs748775797, ClinGen allele CA375369653.

ClinVar aggregate classification (germline): Uncertain significance. Review status: criteria provided, multiple submitters, no conflicts (2 of 4 stars). 2 submissions from 2 submitters: Uncertain significance (2). Last evaluated 2024-04-30.

Conditions:
Hereditary cancer-predisposing syndrome. Also called: Neoplastic Syndromes, Hereditary; Hereditary Cancer Syndrome; Tumor predisposition; Hereditary neoplastic syndrome. Identifiers: Orphanet 140162, MedGen C0027672, MeSH D009386, MONDO:0015356.
Tuberous sclerosis 1 (TSC1). Identifiers: Orphanet 805, MedGen C1854465, MONDO:0008612, OMIM 191100.

Submissions (2):

Labcorp Genetics (formerly Invitae), Labcorp
Classification: Uncertain significance for Tuberous sclerosis 1. Last evaluated: 2024-04-30. Review status: criteria provided, single submitter. Criteria: Invitae Variant Classification Sherloc (09022015). Collection method: clinical testing. Allele origin: germline.
Comment: This sequence change replaces histidine, which is basic and polar, with glutamine, which is neutral and polar, at codon 253 of the TSC1 protein (p.His253Gln). This variant is not present in population databases (gnomAD no frequency). This variant has not been reported in the literature in individuals affected with TSC1-related conditions. ClinVar contains an entry for this variant (Variation ID: 582379). Advanced modeling of protein sequence and biophysical properties (such as structural, functional, and spatial information, amino acid conservation, physicochemical variation, residue mobility, and thermodynamic stability) performed at Invitae indicates that this missense variant is not expected to disrupt TSC1 protein function with a negative predictive value of 95%. In summary, the available evidence is currently insufficient to determine the role of this variant in disease. Therefore, it has been classified as a Variant of Uncertain Significance.

Ambry Genetics
Classification: Uncertain significance for Hereditary cancer-predisposing syndrome. Last evaluated: 2023-12-19. Review status: criteria provided, single submitter. Criteria: Ambry Variant Classification Scheme 2023. Collection method: clinical testing. Allele origin: germline.
Comment: The p.H253Q variant (also known as c.759T>A), located in coding exon 7 of the TSC1 gene, results from a T to A substitution at nucleotide position 759. The histidine at codon 253 is replaced by glutamine, an amino acid with highly similar properties. This amino acid position is conserved. In addition, this alteration is predicted to be deleterious by in silico analysis. Since supporting evidence is limited at this time, the clinical significance of this alteration remains unclear.